The following is an entry in ClinVar:

NM_001042492.3(NF1):c.1121_1122del (p.Asp374fs)

Gene: NF1 (neurofibromin 1; plus strand). Cytogenetic location: 17q11.2.
Variant type: Deletion.
Coding change: c.1121_1122del on transcript NM_001042492.3 (MANE Select); coding-DNA positions 1121 to 1122, 2 bases deleted (AT; older notation c.1121_1122delAT).
Protein change: p.Asp374fs; shifts the reading frame from aspartic acid 374.
Molecular consequence: frameshift variant.
Genome position (GRCh38, 1-based): chr17:31,201,095-31,201,096, AT deleted. VCF-style (leftmost placement, unchanged base first): chr17-31201094-GAT-G. GRCh37 (hg19) VCF-style: chr17-29528112-GAT-G.
Other names: c.1121_1122delAT, p.Asp374Alafs (NM_000267.4); c.1121_1122del, p.Asp374fs (NM_001128147.3); c.1121_1122delAT (NM_000267.3); short protein forms D374fs.
Identifiers: ClinVar variation 818359 (VCV000818359.12), dbSNP rs1597682030, ClinGen allele CA915949676.

ClinVar aggregate classification (germline): Pathogenic. Review status: criteria provided, multiple submitters, no conflicts (2 of 4 stars). 3 submissions from 3 submitters: Pathogenic (3). Last evaluated 2022-03-15.

Conditions:
Neurofibromatosis, type 1 (NF1). Also called: Peripheral type neurofibromatosis; Neurofibromatosis, type I; NEUROFIBROMATOSIS, TYPE I, SOMATIC; VON RECKLINGHAUSEN DISEASE. Identifiers: Orphanet 636, MedGen C0027831, MONDO:0018975, OMIM 162200. Disease mechanism: loss of function.
Hereditary cancer-predisposing syndrome. Also called: Hereditary Cancer Syndrome; Neoplastic Syndromes, Hereditary; Hereditary neoplastic syndrome; Tumor predisposition. Identifiers: Orphanet 140162, MedGen C0027672, MeSH D009386, MONDO:0015356.
Cardiovascular phenotype. Identifiers: MedGen CN230736.

Submissions (3):

Genome-Nilou Lab
Classification: Pathogenic for Neurofibromatosis, type 1. Last evaluated: 2022-03-15. Review status: criteria provided, single submitter. Criteria: ACMG Guidelines, 2015. Collection method: clinical testing. Allele origin: germline. Affected: no.

Ambry Genetics
Classification: Pathogenic for Cardiovascular phenotype; Hereditary cancer-predisposing syndrome. Last evaluated: 2019-10-28. Review status: criteria provided, single submitter. Criteria: Ambry Variant Classification Scheme 2023. Collection method: clinical testing. Allele origin: germline.
Comment: The c.1121_1122delAT pathogenic mutation, located in coding exon 10 of the NF1 gene, results from a deletion of two nucleotides at nucleotide positions 1121 to 1122, causing a translational frameshift with a predicted alternate stop codon (p.D374Afs*4). This alteration is expected to result in loss of function by premature protein truncation or nonsense-mediated mRNA decay. As such, this alteration is interpreted as a disease-causing mutation.

Labcorp Genetics (formerly Invitae), Labcorp
Classification: Pathogenic for Neurofibromatosis, type 1. Last evaluated: 2019-07-31. Review status: criteria provided, single submitter. Criteria: Invitae Variant Classification Sherloc (09022015). Collection method: clinical testing. Allele origin: germline.
Comment: Loss-of-function variants in NF1 are known to be pathogenic (PMID: 10712197, 23913538). This variant has not been reported in the literature in individuals with NF1-related conditions. This variant is not present in population databases (ExAC no frequency). This sequence change creates a premature translational stop signal (p.Asp374Alafs*4) in the NF1 gene. It is expected to result in an absent or disrupted protein product. For these reasons, this variant has been classified as Pathogenic.

Literature cited by the submitters: PubMed 10712197 (cited by Labcorp Genetics (formerly Invitae), Labcorp); PubMed 23913538 (cited by Labcorp Genetics (formerly Invitae), Labcorp).